The following is an entry in ClinVar:

ClinVar aggregate classification (germline): Likely benign. Review status: criteria provided, multiple submitters, no conflicts (2 of 4 stars). 3 submissions from 3 submitters: Likely benign (3). Last evaluated 2026-02-09.

Conditions:
PKD2-related disorder. Also called: PKD2-related condition.
Autosomal dominant polycystic kidney disease. Identifiers: Orphanet 730, MedGen C0085413, MONDO:0004691.
Polycystic kidney disease 2 (PKD2). Also called: Polycystic Kidney Disease 2, Autosomal Dominant; POLYCYSTIC KIDNEY DISEASE, ADULT, TYPE II; POLYCYSTIC KIDNEY DISEASE 2 WITH OR WITHOUT POLYCYSTIC LIVER DISEASE. Identifiers: MedGen C2751306, MONDO:0013131, OMIM 613095.

gnomAD v4.1: 14 of 1,601,960 alleles (0.00087%); highest among the groups gnomAD compares: Admixed American, 0.013%; no homozygotes.

Submissions (3):

PreventionGenetics, part of Exact Sciences
Classification: Likely benign for PKD2-related condition. Last evaluated: 2026-02-09. Review status: criteria provided, single submitter. Criteria: ACMG Guidelines, 2015. Collection method: clinical testing. Allele origin: germline.
Comment: This variant is classified as likely benign based on ACMG/AMP sequence variant interpretation guidelines (Richards et al. 2015 PMID: 25741868, with internal and published modifications).

Labcorp Genetics (formerly Invitae), Labcorp
Classification: Likely benign for Autosomal dominant polycystic kidney disease. Last evaluated: 2025-12-29. Review status: criteria provided, single submitter. Criteria: Invitae Variant Classification Sherloc (09022015). Collection method: clinical testing. Allele origin: germline.

Fulgent Genetics
Classification: Likely benign for Polycystic kidney disease 2. Last evaluated: 2021-08-10. Review status: criteria provided, single submitter. Criteria: ACMG Guidelines, 2015. Collection method: clinical testing. Allele origin: unknown.

NM_000297.4(PKD2):c.1617G>A (p.Leu539=)

Gene: PKD2 (polycystin 2, transient receptor potential cation channel; plus strand). Cytogenetic location: 4q22.1.
Variant type: single nucleotide variant.
Coding change: c.1617G>A on transcript NM_000297.4 (MANE Select); coding-DNA position 1617, G replaced by A.
Protein change: p.Leu539=; no amino-acid change (leucine 539 retained).
Molecular consequence: synonymous variant. On other transcripts: non-coding transcript variant (1).
Genome position (GRCh38, 1-based): chr4:88,052,059, G>A. VCF-style: chr4-88052059-G-A. GRCh37 (hg19) VCF-style: chr4-88973211-G-A.
Other names: c.1617G>A (NM_000297.3).
Identifiers: ClinVar variation 1568424 (VCV001568424.10), dbSNP rs145297759, ClinGen allele CA100872232.
Genomic context (GRCh38, chr4:88,052,059, plus strand): 5'-GGTAGCTATAGGAATTAACATATACAGAACATCAAATGTGGAGGTGCTACTACAGTTTCT[G>A]GAAGATCAAAATACTTTCCCCAACTTTGAGCATCTGGCATATTGGCAGATACAGTTCAAC-3'
Protein context (NP_000288.1, residues 529-549): TSNVEVLLQF[Leu539=]EDQNTFPNFE